The following is an entry in ClinVar:

NM_005609.4(PYGM):c.458T>G (p.Leu153Arg)

Gene: PYGM (glycogen phosphorylase, muscle associated; minus strand). Cytogenetic location: 11q13.1.
Variant type: single nucleotide variant.
Coding change: c.458T>G on transcript NM_005609.4 (MANE Select); coding-DNA position 458, T replaced by G.
Protein change: p.Leu153Arg; replaces leucine 153 with arginine.
Molecular consequence: missense variant. On other transcripts: intron variant (1).
Genome position (GRCh38, 1-based): chr11:64,758,316, A>C on the plus strand (T>G on the coding strand, the complement: PYGM is on the minus strand). VCF-style: chr11-64758316-A-C. GRCh37 (hg19) VCF-style: chr11-64525788-A-C.
Other names: c.244-50T>G (NM_001164716.1); short protein forms L153R.
Identifiers: ClinVar variation 1428480 (VCV001428480.4), dbSNP rs2135840127, ClinGen allele CA381109243.
Genomic context (GRCh38, chr11:64,758,316, plus strand): 5'-CCGGAGATCTTCTGGTTAAAAATCCCAAACTCATAGCGAATCCCGTAGCCATAGGCGGCC[A>C]GGCCCAGTGTTGCCATGGAGTCAAGAAAGCAGGCTGGGGGTGTGCAGGGAGGTGGCTGTC-3'
Protein context (NP_005600.1, residues 143-163): CFLDSMATLG[Leu153Arg]AAYGYGIRYE

ClinVar aggregate classification (germline): Uncertain significance. Review status: criteria provided, multiple submitters, no conflicts (2 of 4 stars). 2 submissions from 2 submitters: Uncertain significance (2). Last evaluated 2024-05-01.

Conditions:
Glycogen storage disease, type V (GSD5). Also called: MCARDLE DISEASE; McArdle type glycogen storage disease; MUSCLE GLYCOGEN PHOSPHORYLASE DEFICIENCY; MYOPHOSPHORYLASE DEFICIENCY; PYGM DEFICIENCY. Identifiers: Orphanet 368, MedGen C0017924, MONDO:0009293, OMIM 232600.

Allele frequency attached by ClinVar (database versions not stated): gnomAD exomes below 0.00001.
gnomAD v4.1: 1 of 1,614,096 alleles (0.000062%); highest among the groups gnomAD compares: Middle Eastern, 0.016%; no homozygotes.

Submissions (2):

Fulgent Genetics
Classification: Uncertain significance for Glycogen storage disease, type V. Last evaluated: 2024-05-01. Review status: criteria provided, single submitter. Criteria: ACMG Guidelines, 2015. Collection method: clinical testing. Allele origin: germline.

Labcorp Genetics (formerly Invitae), Labcorp
Classification: Uncertain significance for Glycogen storage disease, type V. Last evaluated: 2021-10-21. Review status: criteria provided, single submitter. Criteria: Invitae Variant Classification Sherloc (09022015). Collection method: clinical testing. Allele origin: germline.
Comment: This sequence change replaces leucine, which is neutral and non-polar, with arginine, which is basic and polar, at codon 153 of the PYGM protein (p.Leu153Arg). This variant is not present in population databases (gnomAD no frequency). This missense change has been observed in individual(s) with clinical features of McArdle disease (PMID: 21802952). Algorithms developed to predict the effect of missense changes on protein structure and function are either unavailable or do not agree on the potential impact of this missense change (SIFT: "Not Available"; PolyPhen-2: "Probably Damaging"; Align-GVGD: "Not Available"). In summary, the available evidence is currently insufficient to determine the role of this variant in disease. Therefore, it has been classified as a Variant of Uncertain Significance.

Literature cited by the submitters: PubMed 21802952 (cited by Labcorp Genetics (formerly Invitae), Labcorp).